The following is an entry in ClinVar:

NM_004429.5(EFNB1):c.158A>T (p.Tyr53Phe)

Gene: EFNB1 (ephrin B1; plus strand). Cytogenetic location: Xq13.1.
Variant type: single nucleotide variant.
Coding change: c.158A>T on transcript NM_004429.5 (MANE Select); coding-DNA position 158, A replaced by T.
Protein change: p.Tyr53Phe; replaces tyrosine 53 with phenylalanine.
Molecular consequence: missense variant.
Genome position (GRCh38, 1-based): chrX:68,838,646, A>T. VCF-style: chrX-68838646-A-T. GRCh37 (hg19) VCF-style: chrX-68058489-A-T.
Other names: short protein forms Y53F.
Identifiers: ClinVar variation 2855728 (VCV002855728.3), dbSNP rs2147976455, ClinGen allele CA413437320.

ClinVar aggregate classification (germline): Uncertain significance (1 of 4 stars; one submission).

Submission:

Labcorp Genetics (formerly Invitae), Labcorp
Classification: Uncertain significance. Last evaluated: 2023-04-12. Review status: criteria provided, single submitter. Criteria: Invitae Variant Classification Sherloc (09022015). Collection method: clinical testing. Allele origin: germline.
Comment: In summary, the available evidence is currently insufficient to determine the role of this variant in disease. Therefore, it has been classified as a Variant of Uncertain Significance. Advanced modeling of protein sequence and biophysical properties (such as structural, functional, and spatial information, amino acid conservation, physicochemical variation, residue mobility, and thermodynamic stability) performed at Invitae indicates that this missense variant is not expected to disrupt EFNB1 protein function. This variant has not been reported in the literature in individuals affected with EFNB1-related conditions. This variant is not present in population databases (gnomAD no frequency). This sequence change replaces tyrosine, which is neutral and polar, with phenylalanine, which is neutral and non-polar, at codon 53 of the EFNB1 protein (p.Tyr53Phe).